The following is an entry in ClinVar:

NM_000051.4(ATM):c.7987G>A (p.Val2663Ile)

Genes: ATM (ATM serine/threonine kinase; plus strand), C11orf65 (chromosome 11 open reading frame 65; minus strand). Cytogenetic location: 11q22.3.
Variant type: single nucleotide variant.
Coding change: c.7987G>A on transcript NM_000051.4 (MANE Select); coding-DNA position 7987, G replaced by A.
Protein change: p.Val2663Ile; replaces valine 2663 with isoleucine.
Molecular consequence: missense variant. On other transcripts: intron variant (2).
Genome position (GRCh38, 1-based): chr11:108,333,945, G>A. VCF-style: chr11-108333945-G-A. GRCh37 (hg19) VCF-style: chr11-108204672-G-A.
Other names: c.7987G>A, p.Val2663Ile (NM_001351834.2); c.641-24874C>T (NM_001330368.2); c.*38+1275C>T (NM_001351110.2); short protein forms V2663I.
Identifiers: ClinVar variation 3965915 (VCV003965915.1).

ClinVar aggregate classification (germline): Conflicting classifications of pathogenicity. Review status: criteria provided, conflicting classifications (1 of 4 stars). 2 submissions from 2 submitters: Uncertain significance (1); Likely benign (1). Last evaluated 2025-06-02.

Conditions:
Ataxia-telangiectasia syndrome (AT). Also called: LOUIS-BAR SYNDROME; Cerebello-oculocutaneous telangiectasia; Immunodeficiency with ataxia telangiectasia; Ataxia-telangiectasia, complementation group D; AT, COMPLEMENTATION GROUP C; Ataxia telangiectasia (A-T). Identifiers: Orphanet 100, MedGen C0004135, MONDO:0008840, OMIM 208900.
Hereditary cancer-predisposing syndrome. Also called: Neoplastic Syndromes, Hereditary; Tumor predisposition; Hereditary Cancer Syndrome; Hereditary neoplastic syndrome. Identifiers: Orphanet 140162, MedGen C0027672, MeSH D009386, MONDO:0015356.

Submissions (2):

Labcorp Genetics (formerly Invitae), Labcorp
Classification: Uncertain significance for Ataxia-telangiectasia syndrome. Last evaluated: 2025-06-02. Review status: criteria provided, single submitter. Criteria: Invitae Variant Classification Sherloc (09022015). Collection method: clinical testing. Allele origin: germline.
Comment: This sequence change replaces valine, which is neutral and non-polar, with isoleucine, which is neutral and non-polar, at codon 2663 of the ATM protein (p.Val2663Ile). This variant is not present in population databases (gnomAD no frequency). This variant has not been reported in the literature in individuals affected with ATM-related conditions. Invitae Evidence Modeling of protein sequence and biophysical properties (such as structural, functional, and spatial information, amino acid conservation, physicochemical variation, residue mobility, and thermodynamic stability) indicates that this missense variant is not expected to disrupt ATM protein function with a negative predictive value of 95%. In summary, the available evidence is currently insufficient to determine the role of this variant in disease. Therefore, it has been classified as a Variant of Uncertain Significance.

Ambry Genetics
Classification: Likely benign for Hereditary cancer-predisposing syndrome. Last evaluated: 2025-04-07. Review status: criteria provided, single submitter. Criteria: Ambry Variant Classification Scheme 2023. Collection method: clinical testing. Allele origin: germline.